The following is an entry in ClinVar:

ClinVar aggregate classification (germline): Uncertain significance (1 of 4 stars; one submission).

Conditions:
Hereditary cancer-predisposing syndrome. Also called: Tumor predisposition; Hereditary neoplastic syndrome; Hereditary Cancer Syndrome; Neoplastic Syndromes, Hereditary. Identifiers: Orphanet 140162, MedGen C0027672, MeSH D009386, MONDO:0015356.

Allele frequency attached by ClinVar (database versions not stated): gnomAD exomes below 0.00001.
gnomAD v4.1: 1 of 1,613,718 alleles (0.000062%); highest among the groups gnomAD compares: East Asian, 0.0022%; no homozygotes.

Submission:

Ambry Genetics
Classification: Uncertain significance for Hereditary cancer-predisposing syndrome. Last evaluated: 2023-09-22. Review status: criteria provided, single submitter. Criteria: Ambry Variant Classification Scheme 2023. Collection method: clinical testing. Allele origin: germline.
Comment: The p.G1458V variant (also known as c.4373G>T), located in coding exon 28 of the ATM gene, results from a G to T substitution at nucleotide position 4373. The glycine at codon 1458 is replaced by valine, an amino acid with dissimilar properties. This amino acid position is conserved. In addition, this alteration is predicted to be deleterious by in silico analysis. Since supporting evidence is limited at this time, the clinical significance of this alteration remains unclear.

NM_000051.4(ATM):c.4373G>T (p.Gly1458Val)

Gene: ATM (ATM serine/threonine kinase; plus strand). Cytogenetic location: 11q22.3.
Variant type: single nucleotide variant.
Coding change: c.4373G>T on transcript NM_000051.4 (MANE Select); coding-DNA position 4373, G replaced by T.
Protein change: p.Gly1458Val; replaces glycine 1458 with valine.
Molecular consequence: missense variant.
Genome position (GRCh38, 1-based): chr11:108,289,738, G>T. VCF-style: chr11-108289738-G-T. GRCh37 (hg19) VCF-style: chr11-108160465-G-T.
Other names: c.4373G>T, p.Gly1458Val (NM_001351834.2); short protein forms G1458V.
Identifiers: ClinVar variation 3221207 (VCV003221207.1), dbSNP rs1325046917, ClinGen allele CA382532105.